The following is an entry in ClinVar:

ClinVar aggregate classification (germline): Pathogenic (1 of 4 stars; one submission).

Submission:

Labcorp Genetics (formerly Invitae), Labcorp
Classification: Pathogenic. Last evaluated: 2023-12-07. Review status: criteria provided, single submitter. Criteria: Invitae Variant Classification Sherloc (09022015). Collection method: clinical testing. Allele origin: germline.
Comment: This variant is a gross deletion of the genomic region encompassing exon(s) 3 of the MSH3 gene. This deletion is out-of-frame, and is expected to create a premature termination codon and result in an absent or disrupted protein product. Loss-of-function variants in MSH3 are known to be pathogenic (PMID: 27476653, 37402566). This variant has not been reported in the literature in individuals affected with MSH3-related conditions. For these reasons, this variant has been classified as Pathogenic.

Literature cited by the submitters: PubMed 27476653; PubMed 37402566.

NC_000005.10:g.(?_80665133)_(80665373_?)del

Gene: MSH3 (mutS homolog 3; plus strand). Cytogenetic location: 5q14.1.
Variant type: Deletion.
Identifiers: ClinVar variation 831050 (VCV000831050.6).